The following is an entry in ClinVar:

NM_004281.4(BAG3):c.608G>C (p.Arg203Pro)

Gene: BAG3 (BAG cochaperone 3; plus strand). Cytogenetic location: 10q26.11.
Variant type: single nucleotide variant.
Coding change: c.608G>C on transcript NM_004281.4 (MANE Select); coding-DNA position 608, G replaced by C.
Protein change: p.Arg203Pro; replaces arginine 203 with proline.
Molecular consequence: missense variant.
Genome position (GRCh38, 1-based): chr10:119,672,355, G>C. VCF-style: chr10-119672355-G-C. GRCh37 (hg19) VCF-style: chr10-121431867-G-C.
Other names: short protein forms R203P.
Identifiers: ClinVar variation 1053859 (VCV001053859.12), dbSNP rs1057524225, ClinGen allele CA378295430.

ClinVar aggregate classification (germline): Uncertain significance. Review status: criteria provided, multiple submitters, no conflicts (2 of 4 stars). 2 submissions from 2 submitters: Uncertain significance (2). Last evaluated 2025-05-12.

Conditions:
Myofibrillar myopathy 6. Identifiers: Orphanet 199340, MedGen C2751831, MONDO:0013061, OMIM 612954.
Dilated cardiomyopathy 1HH (CMD1HH). Identifiers: Orphanet 154, MedGen C3151293, MONDO:0013479, OMIM 613881.
Cardiovascular phenotype. Identifiers: MedGen CN230736.

Allele frequency attached by ClinVar (database versions not stated): TOPMed below 0.00001.
gnomAD v4.1: 2 of 1,613,960 alleles (0.00012%); highest among the groups gnomAD compares: Admixed American, 0.0017%; no homozygotes.

Submissions (2):

Labcorp Genetics (formerly Invitae), Labcorp
Classification: Uncertain significance for Dilated cardiomyopathy 1HH; Myofibrillar myopathy 6. Last evaluated: 2025-05-12. Review status: criteria provided, single submitter. Criteria: Invitae Variant Classification Sherloc (09022015). Collection method: clinical testing. Allele origin: germline.
Comment: This sequence change replaces arginine, which is basic and polar, with proline, which is neutral and non-polar, at codon 203 of the BAG3 protein (p.Arg203Pro). This variant is present in population databases (no rsID available, gnomAD 0.003%). This variant has not been reported in the literature in individuals affected with BAG3-related conditions. ClinVar contains an entry for this variant (Variation ID: 1053859). Invitae Evidence Modeling of protein sequence and biophysical properties (such as structural, functional, and spatial information, amino acid conservation, physicochemical variation, residue mobility, and thermodynamic stability) indicates that this missense variant is not expected to disrupt BAG3 protein function with a negative predictive value of 80%. In summary, the available evidence is currently insufficient to determine the role of this variant in disease. Therefore, it has been classified as a Variant of Uncertain Significance.

Ambry Genetics
Classification: Uncertain significance for Cardiovascular phenotype. Last evaluated: 2024-11-02. Review status: criteria provided, single submitter. Criteria: Ambry Variant Classification Scheme 2023. Collection method: clinical testing. Allele origin: germline.
Comment: The p.R203P variant (also known as c.608G>C), located in coding exon 3 of the BAG3 gene, results from a G to C substitution at nucleotide position 608. The arginine at codon 203 is replaced by proline, an amino acid with dissimilar properties. This amino acid position is highly conserved in available vertebrate species. In addition, this alteration is predicted to be deleterious by in silico analysis. Since supporting evidence is limited at this time, the clinical significance of this alteration remains unclear.